The following is an entry in ClinVar:

NM_003742.4(ABCB11):c.1177A>G (p.Ile393Val)

Gene: ABCB11 (ATP binding cassette subfamily B member 11; minus strand). Cytogenetic location: 2q31.1.
Variant type: single nucleotide variant.
Coding change: c.1177A>G on transcript NM_003742.4 (MANE Select); coding-DNA position 1177, A replaced by G.
Protein change: p.Ile393Val; replaces isoleucine 393 with valine.
Molecular consequence: missense variant.
Genome position (GRCh38, 1-based): chr2:168,979,886, T>C on the plus strand (A>G on the coding strand, the complement: ABCB11 is on the minus strand). VCF-style: chr2-168979886-T-C. GRCh37 (hg19) VCF-style: chr2-169836396-T-C.
Other names: c.1177A>G (NM_003742.2); short protein forms I393V.
Identifiers: ClinVar variation 2147590 (VCV002147590.5), dbSNP rs369484793, ClinGen allele CA1951676.

ClinVar aggregate classification (germline): Conflicting classifications of pathogenicity. Review status: criteria provided, conflicting classifications (1 of 4 stars). 2 submissions from 2 submitters: Uncertain significance (1); Likely benign (1). Last evaluated 2026-03-09.

Conditions:
ABCB11-related disorder. Also called: ABCB11-related condition.

Allele frequency attached by ClinVar (database versions not stated): ExAC 0.00003; gnomAD 0.00004; ESP Exome Variant Server 0.00008; gnomAD exomes 0.00002; TOPMed 0.00002.
gnomAD v4.1: 29 of 1,565,406 alleles (0.0019%); highest among the groups gnomAD compares: Non-Finnish European, 0.0024%; no homozygotes.

Submissions (2):

PreventionGenetics, part of Exact Sciences
Classification: Uncertain significance for ABCB11-related condition. Last evaluated: 2026-03-09. Review status: criteria provided, single submitter. Criteria: ACMG Guidelines, 2015. Collection method: clinical testing. Allele origin: germline.
Comment: The ABCB11 c.1177A>G variant is predicted to result in the amino acid substitution p.Ile393Val. This variant was reported in heterozygous state along with second ABCB11 variant in an individual with monogenic intrahepatic cholestasis (Table S3, Hertel et al. 2021. PubMed ID: 34016879). This variant is reported in 0.0065% of alleles in individuals of African descent in gnomAD. At this time, the clinical significance of this variant is uncertain due to the absence of conclusive functional and genetic evidence.

Labcorp Genetics (formerly Invitae), Labcorp
Classification: Likely benign. Last evaluated: 2023-09-10. Review status: criteria provided, single submitter. Criteria: Invitae Variant Classification Sherloc (09022015). Collection method: clinical testing. Allele origin: germline.